The following is an entry in ClinVar:

ClinVar aggregate classification (germline): Uncertain significance (1 of 4 stars; one submission).

Conditions:
Hereditary cancer-predisposing syndrome. Also called: Hereditary Cancer Syndrome; Neoplastic Syndromes, Hereditary; Tumor predisposition; Hereditary neoplastic syndrome. Identifiers: Orphanet 140162, MedGen C0027672, MeSH D009386, MONDO:0015356.

Submission:

Ambry Genetics
Classification: Uncertain significance for Hereditary cancer-predisposing syndrome. Last evaluated: 2021-11-04. Review status: criteria provided, single submitter. Criteria: Ambry Variant Classification Scheme 2023. Collection method: clinical testing. Allele origin: germline.
Comment: The p.E400K variant (also known as c.1198G>A), located in coding exon 4 of the AXIN2 gene, results from a G to A substitution at nucleotide position 1198. The glutamic acid at codon 400 is replaced by lysine, an amino acid with similar properties. This amino acid position is well conserved in available vertebrate species. In addition, the in silico prediction for this alteration is inconclusive. Since supporting evidence is limited at this time, the clinical significance of this alteration remains unclear.

NM_004655.4(AXIN2):c.1198G>A (p.Glu400Lys)

Gene: AXIN2 (axin 2; minus strand). Cytogenetic location: 17q24.1.
Variant type: single nucleotide variant.
Coding change: c.1198G>A on transcript NM_004655.4 (MANE Select); coding-DNA position 1198, G replaced by A.
Protein change: p.Glu400Lys; replaces glutamic acid 400 with lysine.
Molecular consequence: missense variant.
Genome position (GRCh38, 1-based): chr17:65,538,205, C>T on the plus strand (G>A on the coding strand, the complement: AXIN2 is on the minus strand). VCF-style: chr17-65538205-C-T. GRCh37 (hg19) VCF-style: chr17-63534323-C-T.
Other names: c.1198G>A, p.Glu400Lys (NM_001363813.1); short protein forms E400K.
Identifiers: ClinVar variation 1746544 (VCV001746544.2), dbSNP rs989632217, ClinGen allele CA400678115.